The following is an entry in ClinVar:

NM_001035.3(RYR2):c.8437-3T>A

Gene: RYR2 (ryanodine receptor 2; plus strand). Cytogenetic location: 1q43.
Variant type: single nucleotide variant.
Coding change: c.8437-3T>A on transcript NM_001035.3 (MANE Select); 3 bases into the intron before coding-DNA position 8437, T replaced by A.
Molecular consequence: intron variant.
Genome position (GRCh38, 1-based): chr1:237,666,509, T>A. VCF-style: chr1-237666509-T-A. GRCh37 (hg19) VCF-style: chr1-237829809-T-A.
Identifiers: ClinVar variation 1011669 (VCV001011669.10), dbSNP rs924080705, ClinGen allele CA529548249.

ClinVar aggregate classification (germline): Uncertain significance (1 of 4 stars; one submission).

Conditions:
Catecholaminergic polymorphic ventricular tachycardia 1. Also called: VENTRICULAR TACHYCARDIA, STRESS-INDUCED POLYMORPHIC 1; VENTRICULAR TACHYCARDIA, CATECHOLAMINERGIC POLYMORPHIC, 1, WITH OR WITHOUT ATRIAL DYSFUNCTION AND/OR DILATED CARDIOMYOPATHY; RYR2-Related Catecholaminergic Polymorphic Ventricular Tachycardia. Identifiers: Orphanet 3286, MedGen C1631597, MONDO:0011484, OMIM 604772.

Submission:

Labcorp Genetics (formerly Invitae), Labcorp
Classification: Uncertain significance for Catecholaminergic polymorphic ventricular tachycardia 1. Last evaluated: 2018-06-19. Review status: criteria provided, single submitter. Criteria: Invitae Variant Classification Sherloc (09022015). Collection method: clinical testing. Allele origin: germline.
Comment: This sequence change falls in intron 56 of the RYR2 gene. It does not directly change the encoded amino acid sequence of the RYR2 protein, but it affects a nucleotide within the consensus splice site of the intron. This variant is not present in population databases (ExAC no frequency). This variant has not been reported in the literature in individuals with RYR2-related disease. Nucleotide substitutions within the consensus splice site are a relatively common cause of aberrant splicing (PMID: 17576681, 9536098). Algorithms developed to predict the effect of sequence changes on RNA splicing suggest that this variant may disrupt the consensus splice site, but this prediction has not been confirmed by published transcriptional studies. In summary, the available evidence is currently insufficient to determine the role of this variant in disease. Therefore, it has been classified as a Variant of Uncertain Significance.

Literature cited by the submitters: PubMed 17576681; PubMed 9536098.